The following is an entry in ClinVar:

NM_022034.6(CUZD1):c.818-10_818-9del

Genes: CUZD1 (CUB and zona pellucida like domains 1; minus strand), FAM24B-CUZD1 (FAM24B-CUZD1 readthrough; minus strand). Cytogenetic location: 10q26.13.
Variant type: Deletion.
Coding change: c.818-10_818-9del on transcript NM_022034.6 (MANE Select); 10 bases into the intron before coding-DNA position 818 through 9 bases into the intron before coding-DNA position 818, 2 bases deleted (TT; older notation c.818-10_818-9delTT).
Molecular consequence: intron variant.
Genome position (GRCh38, 1-based): chr10:122,836,359-122,836,360, AA deleted on the plus strand (TT on the coding strand, the reverse complement: CUZD1 is on the minus strand); deleting any 2 consecutive bases within chr10:122,836,359-122,836,374 gives the same sequence; the c. name uses the placement nearest the transcript's 3' end. VCF-style (leftmost placement, unchanged base first): chr10-122836358-GAA-G. GRCh37 (hg19) VCF-style: chr10-124595874-GAA-G.
Identifiers: ClinVar variation 402576 (VCV000402576.4), dbSNP rs11365591, ClinGen allele CA5729088.

ClinVar aggregate classification (germline): Benign (1 of 4 stars; one submission).

Submission:

Laboratory for Molecular Medicine, Mass General Brigham Personalized Medicine
Classification: Benign. Last evaluated: 2016-03-29. Review status: criteria provided, single submitter. Criteria: LMM Criteria. Collection method: clinical testing. Allele origin: germline.
Comment: Variant identified in a genome or exome case(s) and assessed due to predicted null impact of the variant or pathogenic assertions in the literature or databases. Disclaimer: This variant has not undergone full assessment. The following are preliminary notes: Frequency